The following is an entry in ClinVar:

NM_001142864.4(PIEZO1):c.1001C>T (p.Ala334Val)

Genes: HSALR1 (HSP90AB1 associated lncRNA 1; plus strand), PIEZO1 (piezo type mechanosensitive ion channel component 1 (Er blood group); minus strand). Cytogenetic location: 16q24.3.
Variant type: single nucleotide variant.
Coding change: c.1001C>T on transcript NM_001142864.4 (MANE Select); coding-DNA position 1001, C replaced by T.
Protein change: p.Ala334Val; replaces alanine 334 with valine.
Molecular consequence: missense variant. On other transcripts: non-coding transcript variant (1).
Genome position (GRCh38, 1-based): chr16:88,737,953, G>A on the plus strand (C>T on the coding strand, the complement: PIEZO1 is on the minus strand). VCF-style: chr16-88737953-G-A. GRCh37 (hg19) VCF-style: chr16-88804361-G-A.
Other names: short protein forms A334V.
Identifiers: ClinVar variation 1309345 (VCV001309345.11), dbSNP rs574402639, ClinGen allele CA8233148.

ClinVar aggregate classification (germline): Conflicting classifications of pathogenicity. Review status: criteria provided, conflicting classifications (1 of 4 stars). 3 submissions from 3 submitters: Uncertain significance (1); Benign (1); Likely benign (1). Last evaluated 2025-11-01.

Allele frequency attached by ClinVar (database versions not stated): 1000 Genomes Project 30x 0.00016; TOPMed 0.00017; gnomAD 0.00021; ExAC 0.00039.
gnomAD v4.1: 301 of 1,532,036 alleles (0.02%); highest among the groups gnomAD compares: Middle Eastern, 0.18%; 1 homozygote.

Submissions (3):

CeGaT Center for Human Genetics Tuebingen
Classification: Likely benign. Last evaluated: 2025-11-01. Review status: criteria provided, single submitter. Criteria: CeGaT Center For Human Genetics Tuebingen Variant Classification Criteria Version 2. Collection method: clinical testing. Allele origin: germline. Affected: yes. Observed: 1 variant allele.
Comment: PIEZO1: BP4

Labcorp Genetics (formerly Invitae), Labcorp
Classification: Benign. Last evaluated: 2025-01-06. Review status: criteria provided, single submitter. Criteria: Invitae Variant Classification Sherloc (09022015). Collection method: clinical testing. Allele origin: germline.

GeneDx
Classification: Uncertain significance. Last evaluated: 2021-03-03. Review status: criteria provided, single submitter. Criteria: GeneDx Variant Classification Process June 2021. Collection method: clinical testing. Allele origin: germline. Affected: yes.
Comment: In silico analysis, which includes protein predictors and evolutionary conservation, supports that this variant does not alter protein structure/function; Has not been previously published as pathogenic or benign to our knowledge